The following is an entry in ClinVar:

NM_005732.4(RAD50):c.474_483delinsAA (p.His158fs)

Gene: RAD50 (RAD50 double strand break repair protein; plus strand). Cytogenetic location: 5q31.1.
Variant type: Indel.
Coding change: c.474_483delinsAA on transcript NM_005732.4 (MANE Select); coding-DNA positions 474 to 483, TCAAGAAGAT replaced by AA.
Protein change: p.His158fs; shifts the reading frame from histidine 158.
Molecular consequence: frameshift variant.
Genome position (GRCh38, 1-based): chr5:132,579,425-132,579,434, TCAAGAAGAT replaced by AA. VCF-style: chr5-132579425-TCAAGAAGAT-AA. GRCh37 (hg19) VCF-style: chr5-131915117-TCAAGAAGAT-AA.
Other names: short protein forms H158fs.
Identifiers: ClinVar variation 408352 (VCV000408352.9), dbSNP rs1064792948, ClinGen allele CA16611752.

ClinVar aggregate classification (germline): Pathogenic. Review status: criteria provided, multiple submitters, no conflicts (2 of 4 stars). 2 submissions from 2 submitters: Pathogenic (2). Last evaluated 2023-02-03.

Conditions:
Hereditary cancer-predisposing syndrome. Also called: Hereditary Cancer Syndrome; Hereditary neoplastic syndrome; Neoplastic Syndromes, Hereditary; Tumor predisposition. Identifiers: Orphanet 140162, MedGen C0027672, MeSH D009386, MONDO:0015356.

Submissions (2):

Ambry Genetics
Classification: Pathogenic for Hereditary cancer-predisposing syndrome. Last evaluated: 2023-02-03. Review status: criteria provided, single submitter. Criteria: Ambry Variant Classification Scheme 2023. Collection method: clinical testing. Allele origin: germline.
Comment: The c.474_483del10insAA pathogenic mutation, located in coding exon 4 of the RAD50 gene, results from the deletion of 10 nucleotides and insertion of two nucleotides causing a translational frameshift with a predicted alternate stop codon (p.H158Qfs*3). This alteration is expected to result in loss of function by premature protein truncation or nonsense-mediated mRNA decay. This variant is considered to be rare based on population cohorts in the Genome Aggregation Database (gnomAD). As such, this alteration is interpreted as a disease-causing mutation.

Labcorp Genetics (formerly Invitae), Labcorp
Classification: Pathogenic for Hereditary cancer-predisposing syndrome. Last evaluated: 2021-12-07. Review status: criteria provided, single submitter. Criteria: Invitae Variant Classification Sherloc (09022015). Collection method: clinical testing. Allele origin: germline.
Comment: This sequence change creates a premature translational stop signal (p.His158Glnfs*3) in the RAD50 gene. It is expected to result in an absent or disrupted protein product. Loss-of-function variants in RAD50 are known to be pathogenic (PMID: 19409520). This variant is not present in population databases (gnomAD no frequency). This variant has not been reported in the literature in individuals affected with RAD50-related conditions. ClinVar contains an entry for this variant (Variation ID: 1074938). For these reasons, this variant has been classified as Pathogenic.

Literature cited by the submitters: PubMed 19409520 (cited by Labcorp Genetics (formerly Invitae), Labcorp).